The following is an entry in ClinVar:

ClinVar aggregate classification (germline): Benign/Likely benign. Review status: criteria provided, multiple submitters, no conflicts (2 of 4 stars). 3 submissions from 3 submitters: Benign (1); Likely benign (1). 1 of the submissions does not count toward it. Last evaluated 2026-03-01.

Conditions:
PIK3R1-related disorder. Also called: PIK3R1-related condition.
SHORT syndrome. Also called: SHORT STATURE, HYPEREXTENSIBILITY, HERNIA, OCULAR DEPRESSION, RIEGER ANOMALY, AND TEETHING DELAY; PIK3R1-Related SHORT Syndrome; LIPODYSTROPHY, PARTIAL, WITH RIEGER ANOMALY AND SHORT STATURE. Identifiers: Orphanet 3163, MedGen C0878684, MONDO:0010026, OMIM 269880.
Agammaglobulinemia 7, autosomal recessive (AGM7). Also called: AGAMMAGLOBULINEMIA, AUTOSOMAL RECESSIVE, DUE TO PIK3R1 DEFECT. Identifiers: MedGen C3554689, MONDO:0014083, OMIM 615214.
Immunodeficiency 36 with lymphoproliferation. Also called: Activated PI3K Delta Syndrome Type 2 (APDS2); Immunodeficiency 36; ACTIVATED PI3K-DELTA SYNDROME 2. Identifiers: Orphanet 397596, Orphanet 693681, MedGen C4014934, MONDO:0014453, OMIM 616005.

Allele frequency attached by ClinVar (database versions not stated): gnomAD exomes 0.00002; gnomAD 0.00003; TOPMed 0.00005; ExAC 0.00009.
gnomAD v4.1: 34 of 1,613,780 alleles (0.0021%); highest among the groups gnomAD compares: Admixed American, 0.057%; no homozygotes.

Submissions (3):

CeGaT Center for Human Genetics Tuebingen
Classification: Likely benign. Last evaluated: 2026-03-01. Review status: criteria provided, single submitter. Criteria: CeGaT Center For Human Genetics Tuebingen Variant Classification Criteria Version 2. Collection method: clinical testing. Allele origin: germline. Affected: yes. Observed: 1 variant allele.
Comment: PIK3R1: BP4, BP7

Labcorp Genetics (formerly Invitae), Labcorp
Classification: Benign for SHORT syndrome; Immunodeficiency 36 with lymphoproliferation; Agammaglobulinemia 7, autosomal recessive. Last evaluated: 2024-11-24. Review status: criteria provided, single submitter. Criteria: Invitae Variant Classification Sherloc (09022015). Collection method: clinical testing. Allele origin: germline.

PreventionGenetics, part of Exact Sciences
Classification: Likely benign for PIK3R1-related condition. Last evaluated: 2019-05-02. Review status: no assertion criteria provided. Collection method: clinical testing. Allele origin: germline. Not counted in ClinVar's aggregate classification.
Comment: This variant is classified as likely benign based on ACMG/AMP sequence variant interpretation guidelines (Richards et al. 2015 PMID: 25741868, with internal and published modifications).

NM_181523.3(PIK3R1):c.1050A>G (p.Thr350=)

Gene: PIK3R1 (phosphoinositide-3-kinase regulatory subunit 1; plus strand). Cytogenetic location: 5q13.1.
Variant type: single nucleotide variant.
Coding change: c.1050A>G on transcript NM_181523.3 (MANE Select); coding-DNA position 1050, A replaced by G.
Protein change: p.Thr350=; no amino-acid change (threonine 350 retained).
Molecular consequence: synonymous variant. On other transcripts: 5 prime UTR variant (1).
Genome position (GRCh38, 1-based): chr5:68,293,131, A>G. VCF-style: chr5-68293131-A-G. GRCh37 (hg19) VCF-style: chr5-67588959-A-G.
Other names: c.-40A>G (NM_001242466.2); c.240A>G, p.Thr80= (NM_181504.4); c.150A>G, p.Thr50= (NM_181524.2); c.1050A>G (NM_181523.2).
Identifiers: ClinVar variation 2175222 (VCV002175222.10), dbSNP rs768046753, ClinGen allele CA3290321.